The following is an entry in ClinVar:

ClinVar aggregate classification (germline): Uncertain significance (1 of 4 stars; one submission).

Conditions:
Wiedemann-Steiner syndrome (WDSTS). Also called: Growth deficiency and mental retardation with facial dysmorphism. Identifiers: Orphanet 319182, MedGen C1854630, MONDO:0011518, OMIM 605130.

Submission:

Laboratorio de Genetica e Diagnostico Molecular, Hospital Israelita Albert Einstein
Classification: Uncertain significance for Wiedemann-Steiner syndrome. Last evaluated: 2024-02-29. Review status: criteria provided, single submitter. Criteria: ACMG Guidelines, 2015. Collection method: clinical testing. Allele origin: germline. Affected: yes.
Comment: ACMG classification criteria: PM2 supporting, PP2 supporting

NM_001197104.2(KMT2A):c.4218G>C (p.Lys1406Asn)

Gene: KMT2A (lysine methyltransferase 2A; plus strand). Cytogenetic location: 11q23.3.
Variant type: single nucleotide variant.
Coding change: c.4218G>C on transcript NM_001197104.2 (MANE Select); coding-DNA position 4218, G replaced by C.
Protein change: p.Lys1406Asn; replaces lysine 1406 with asparagine.
Molecular consequence: missense variant.
Genome position (GRCh38, 1-based): chr11:118,484,314, G>C. VCF-style: chr11-118484314-G-C. GRCh37 (hg19) VCF-style: chr11-118355029-G-C.
Other names: c.4317G>C, p.Lys1439Asn (NM_001412597.1); c.4218G>C, p.Lys1406Asn (NM_005933.4); short protein forms K1406N, K1439N.
Identifiers: ClinVar variation 4056553 (VCV004056553.1).
Genomic context (GRCh38, chr11:118,484,314, plus strand): 5'-CAATAGTTCTAAGCAAAAAATTCCAGCAGATGGAGTCCACAGGATCAGAGTGGACTTTAA[G>C]GTAAAGGTGTTCAGTGATCATAAAGTATATTGAGTGTCAAAGACTTTAAATAAAGAAAAT-3'
Protein context (NP_001184033.1, residues 1396-1416): DGVHRIRVDF[Lys1406Asn]EDCEAENVWE